The following is an entry in ClinVar:

NM_000535.7(PMS2):c.2245A>G (p.Asn749Asp)

Gene: PMS2 (PMS1 homolog 2, mismatch repair system component; minus strand). Cytogenetic location: 7p22.1.
Variant type: single nucleotide variant.
Coding change: c.2245A>G on transcript NM_000535.7 (MANE Select); coding-DNA position 2245, A replaced by G.
Protein change: p.Asn749Asp; replaces asparagine 749 with aspartic acid.
Molecular consequence: missense variant. On other transcripts: non-coding transcript variant (1).
Genome position (GRCh38, 1-based): chr7:5,978,626, T>C on the plus strand (A>G on the coding strand, the complement: PMS2 is on the minus strand). VCF-style: chr7-5978626-T-C. GRCh37 (hg19) VCF-style: chr7-6018257-T-C.
Other names: c.1840A>G, p.Asn614Asp (NM_001322003.2, NM_001322004.2, NM_001322005.2 and 1 more transcripts); c.2089A>G, p.Asn697Asp (NM_001322006.2); c.1927A>G, p.Asn643Asp (NM_001322007.2, NM_001322008.2); c.1684A>G, p.Asn562Asp (NM_001322010.2); c.1312A>G, p.Asn438Asp (NM_001322011.2, NM_001322012.2); c.1672A>G, p.Asn558Asp (NM_001322013.2); c.2245A>G, p.Asn749Asp (NM_001322014.2); c.1936A>G, p.Asn646Asp (NM_001322015.2); short protein forms N749D, N646D, N697D, N614D, N643D, N438D, N558D, N562D.
Identifiers: ClinVar variation 237902 (VCV000237902.9), dbSNP rs878854045, ClinGen allele CA10582497.

ClinVar aggregate classification (germline): Uncertain significance (1 of 4 stars; one submission).

Conditions:
Hereditary nonpolyposis colorectal neoplasms. Identifiers: MedGen C0009405, MeSH D003123.

Submission:

Labcorp Genetics (formerly Invitae), Labcorp
Classification: Uncertain significance for Hereditary nonpolyposis colorectal neoplasms. Last evaluated: 2015-11-24. Review status: criteria provided, single submitter. Criteria: Invitae Variant Classification Sherloc (09022015). Collection method: clinical testing. Allele origin: germline.
Comment: Algorithms developed to predict the effect of missense changes on protein structure and function do not agree on the potential impact of this missense change (SIFT: "Deleterious"; PolyPhen-2: "Possibly Damaging"; Align-GVGD: "Class C15"). This variant is not present in the population databases (ExAC no frequency) and has not been reported in the literature in individuals with a PMS2-related disease. However, frequency data for variants in this region of PMS2 is considered unreliable due to the presence of a pseudogene that has strong homology to this region. In summary, this is a novel missense change with uncertain impact on protein function. It has been classified as a Variant of Uncertain Significance. This sequence change replaces asparagine with aspartic acid at codon 749 of the PMS2 protein (p.Asn749Asp). The asparagine residue is highly conserved and there is a small physicochemical difference between asparagine and aspartic acid.